The following is an entry in ClinVar:

NM_001080449.3(DNA2):c.1984-278A>C

Gene: DNA2 (DNA replication helicase/nuclease 2; minus strand). Cytogenetic location: 10q21.3.
Variant type: single nucleotide variant.
Coding change: c.1984-278A>C on transcript NM_001080449.3 (MANE Select); 278 bases into the intron before coding-DNA position 1984, A replaced by C.
Molecular consequence: intron variant.
Genome position (GRCh38, 1-based): chr10:68,430,938, T>G on the plus strand (A>C on the coding strand, the complement: DNA2 is on the minus strand). VCF-style: chr10-68430938-T-G. GRCh37 (hg19) VCF-style: chr10-70190695-T-G.
Identifiers: ClinVar variation 669725 (VCV000669725.1), dbSNP rs10998159, ClinGen allele CA13245815.

ClinVar aggregate classification (germline): Benign (1 of 4 stars; one submission).

Allele frequency attached by ClinVar (database versions not stated): gnomAD 0.31042 and 0.31151; TOPMed 0.32622; 1000 Genomes Project 0.38618; 1000 Genomes Project 30x 0.39054.
gnomAD v4.1: 47,125 of 151,904 alleles (31%); highest among the groups gnomAD compares: African/African-American, 52%; 8,900 homozygotes.

Submission:

GeneDx
Classification: Benign. Last evaluated: 2018-06-14. Review status: criteria provided, single submitter. Criteria: GeneDx Variant Classification (06012015). Collection method: clinical testing. Allele origin: germline. Affected: yes.
Comment: This variant is considered likely benign or benign based on one or more of the following criteria: it is a conservative change, it occurs at a poorly conserved position in the protein, it is predicted to be benign by multiple in silico algorithms, and/or has population frequency not consistent with disease.